The following is an entry in ClinVar:

NM_022552.5(DNMT3A):c.1707G>A (p.Pro569=)

Gene: DNMT3A (DNA methyltransferase 3 alpha; minus strand). Cytogenetic location: 2p23.3.
Variant type: single nucleotide variant.
Coding change: c.1707G>A on transcript NM_022552.5 (MANE Select); coding-DNA position 1707, G replaced by A.
Protein change: p.Pro569=; no amino-acid change (proline 569 retained).
Molecular consequence: synonymous variant. On other transcripts: non-coding transcript variant (1).
Genome position (GRCh38, 1-based): chr2:25,244,299, C>T on the plus strand (G>A on the coding strand, the complement: DNMT3A is on the minus strand). VCF-style: chr2-25244299-C-T. GRCh37 (hg19) VCF-style: chr2-25467168-C-T.
Other names: c.1707G>A (NM_022552.3); c.1251G>A, p.Pro417= (NM_001320893.1); c.1038G>A, p.Pro346= (NM_001375819.1); c.1140G>A, p.Pro380= (NM_153759.3); c.1707G>A, p.Pro569= (NM_175629.2).
Identifiers: ClinVar variation 3352600 (VCV003352600.4).
Genomic context (GRCh38, chr2:25,244,299, plus strand): 5'-CTTGTGCCCGCACATGTAGCAGTTCCAGGGGTCTTCCTTAATGGCTGCCTGGGCAGCCCC[C>T]GGCCCCACCAAGAGGTCCACACACTCCACGCAAAAGCACCTGGAAGGAGACCCAGTGAGC-3'
Protein context (NP_072046.2, residues 559-579): CVECVDLLVG[Pro569=]GAAQAAIKED

ClinVar aggregate classification (germline): Likely benign. Review status: criteria provided, multiple submitters, no conflicts (2 of 4 stars). 3 submissions from 3 submitters: Likely benign (2). 1 of the submissions does not count toward it. Last evaluated 2024-12-29.

Conditions:
DNMT3A-related disorder. Also called: DNMT3A-related condition; DNMT3A-related disorders.
Tatton-Brown-Rahman overgrowth syndrome. Also called: Tall stature-intellectual disability-facial dysmorphism syndrome; Tatton-Brown-Rahman syndrome. Identifiers: Orphanet 404443, MedGen C4014545, MONDO:0014382, OMIM 615879.
Inborn genetic diseases. Identifiers: MedGen C0950123, MeSH D030342.

gnomAD v4.1: 19 of 1,610,808 alleles (0.0012%); highest among the groups gnomAD compares: Admixed American, 0.0084%; no homozygotes.

Submissions (3):

Ambry Genetics
Classification: Likely benign for Inborn genetic diseases. Last evaluated: 2024-12-29. Review status: criteria provided, single submitter. Criteria: Ambry Variant Classification Scheme 2023. Collection method: clinical testing. Allele origin: germline.

Labcorp Genetics (formerly Invitae), Labcorp
Classification: Likely benign for Tatton-Brown-Rahman overgrowth syndrome. Last evaluated: 2024-05-18. Review status: criteria provided, single submitter. Criteria: Invitae Variant Classification Sherloc (09022015). Collection method: clinical testing. Allele origin: germline.

PreventionGenetics, part of Exact Sciences
Classification: Likely benign for DNMT3A-related condition. Last evaluated: 2024-04-13. Review status: no assertion criteria provided. Collection method: clinical testing. Allele origin: germline. Not counted in ClinVar's aggregate classification.
Comment: This variant is classified as likely benign based on ACMG/AMP sequence variant interpretation guidelines (Richards et al. 2015 PMID: 25741868, with internal and published modifications).